The following is an entry in ClinVar:

ClinVar aggregate classification (germline): Likely benign (0 of 4 stars; one submission).

Conditions:
SPEN-related disorder. Also called: SPEN-related condition.

Allele frequency attached by ClinVar (database versions not stated): gnomAD exomes 0.00006; ExAC 0.00023; ESP Exome Variant Server 0.00062; gnomAD 0.00090; 1000 Genomes Project 0.00100; TOPMed 0.00105; 1000 Genomes Project 30x 0.00109.
gnomAD v4.1: 236 of 1,614,186 alleles (0.015%); highest among the groups gnomAD compares: African/African-American, 0.29%; 1 homozygote.

Submission:

PreventionGenetics, part of Exact Sciences
Classification: Likely benign for SPEN-related condition. Last evaluated: 2019-04-01. Review status: no assertion criteria provided. Collection method: clinical testing. Allele origin: germline.
Comment: This variant is classified as likely benign based on ACMG/AMP sequence variant interpretation guidelines (Richards et al. 2015 PMID: 25741868, with internal and published modifications).

NM_015001.3(SPEN):c.6924C>T (p.Thr2308=)

Gene: SPEN (spen family transcriptional repressor; plus strand). Cytogenetic location: 1p36.13.
Variant type: single nucleotide variant.
Coding change: c.6924C>T on transcript NM_015001.3 (MANE Select); coding-DNA position 6924, C replaced by T.
Protein change: p.Thr2308=; no amino-acid change (threonine 2308 retained).
Molecular consequence: synonymous variant.
Genome position (GRCh38, 1-based): chr1:15,933,164, C>T. VCF-style: chr1-15933164-C-T. GRCh37 (hg19) VCF-style: chr1-16259659-C-T.
Identifiers: ClinVar variation 3035148 (VCV003035148.2), dbSNP rs140089239, ClinGen allele CA620003.